The following is an entry in ClinVar:

NM_018368.4(LMBRD1):c.1538G>A (p.Cys513Tyr)

Gene: LMBRD1 (LMBR1 domain containing 1; minus strand). Cytogenetic location: 6q13.
Variant type: single nucleotide variant.
Coding change: c.1538G>A on transcript NM_018368.4 (MANE Select); coding-DNA position 1538, G replaced by A.
Protein change: p.Cys513Tyr; replaces cysteine 513 with tyrosine.
Molecular consequence: missense variant.
Genome position (GRCh38, 1-based): chr6:69,676,243, C>T on the plus strand (G>A on the coding strand, the complement: LMBRD1 is on the minus strand). VCF-style: chr6-69676243-C-T. GRCh37 (hg19) VCF-style: chr6-70386135-C-T.
Other names: c.1319G>A, p.Cys440Tyr (NM_001363722.2, NM_001367271.1, NM_001367272.1); short protein forms C440Y, C513Y.
Identifiers: ClinVar variation 2627386 (VCV002627386.1), dbSNP rs754860778, ClinGen allele CA3879516.

ClinVar aggregate classification (germline): Uncertain significance (1 of 4 stars; one submission).

Conditions:
Methylmalonic aciduria and homocystinuria type cblF. Also called: COBALAMIN F DISEASE; COBALAMIN, DEFECT IN LYSOSOMAL RELEASE OF; METHYLMALONIC ACIDEMIA AND HOMOCYSTINURIA, cblF TYPE; METHYLMALONIC ACIDURIA DUE TO VITAMIN B12-RELEASE DEFECT; VITAMIN B12 LYSOSOMAL RELEASE DEFECT; VITAMIN B12 STORAGE DISEASE. Identifiers: Orphanet 79284, MedGen C1848578, MONDO:0010183, OMIM 277380.

Allele frequency attached by ClinVar (database versions not stated): gnomAD 0.00001; gnomAD exomes 0.00001; ExAC 0.00003.

Submission:

Neuberg Centre For Genomic Medicine, NCGM
Classification: Uncertain significance for Methylmalonic aciduria and homocystinuria type cblF. Review status: criteria provided, single submitter. Criteria: ACMG Guidelines, 2015. Collection method: clinical testing. Allele origin: germline. Inheritance: Autosomal recessive inheritance. Affected: yes.
Comment: The missense variant p.C513Y in LMBRD1 (NM_018368.4) has not been reported previously as a pathogenic variant nor as a benign variant, to our knowledge. The p.C513Y variant is observed in 6/30,592 (0.0196%) alleles from individuals of South Asian background in gnomAD Exomes and is novel (not in any individuals) in 1000 Genomes. The p.C513Y missense variant is predicted to be damaging by both SIFT and PolyPhen2. The cysteine residue at codon 513 of LMBRD1 is conserved in all mammalian species. The nucleotide c.1538 in LMBRD1 is predicted conserved by GERP++ and PhyloP across 100 vertebrates. For these reasons, this variant has been classified as Uncertain Significance.